The following is an entry in ClinVar:

NM_001355436.2(SPTB):c.5937+2T>C

Gene: SPTB (spectrin beta, erythrocytic; minus strand). Cytogenetic location: 14q23.3.
Variant type: single nucleotide variant.
Coding change: c.5937+2T>C on transcript NM_001355436.2 (MANE Select); the canonical splice donor site of the intron after coding-DNA position 5937, T replaced by C.
Molecular consequence: splice donor variant.
Genome position (GRCh38, 1-based): chr14:64,769,588, A>G on the plus strand (T>C on the coding strand, the complement: SPTB is on the minus strand). VCF-style: chr14-64769588-A-G. GRCh37 (hg19) VCF-style: chr14-65236306-A-G.
Other names: c.5937+2T>C (NM_001024858.4, NM_001355437.2).
Identifiers: ClinVar variation 4685794 (VCV004685794.1).

ClinVar aggregate classification (germline): Likely pathogenic (1 of 4 stars; one submission).

Submission:

ARUP Laboratories, Molecular Genetics and Genomics, ARUP Laboratories
Classification: Likely pathogenic. Last evaluated: 2025-05-02. Review status: criteria provided, single submitter. Criteria: ARUP Molecular Germline Variant Investigation Process 2024. Collection method: clinical testing. Allele origin: germline.
Comment: The SPTB c.5937+2T>C variant, to our knowledge, is not reported in the medical literature or gene specific databases. This variant is also absent from the Genome Aggregation Database (v2.1.1), indicating it is not a common polymorphism. This variant disrupts the canonical splice donor site of intron 28, which is likely to negatively impact gene function. Based on available information, this variant is considered to be likely pathogenic.